The following is an entry in ClinVar:

ClinVar aggregate classification (germline): Uncertain significance (1 of 4 stars; one submission).

Allele frequency attached by ClinVar (database versions not stated): ExAC 0.00001; gnomAD exomes 0.00001; gnomAD 0.00006; TOPMed 0.00006.
gnomAD v4.1: 27 of 1,614,038 alleles (0.0017%); highest among the groups gnomAD compares: African/African-American, 0.029%; 1 homozygote.

Submission:

Labcorp Genetics (formerly Invitae), Labcorp
Classification: Uncertain significance. Last evaluated: 2022-12-31. Review status: criteria provided, single submitter. Criteria: Invitae Variant Classification Sherloc (09022015). Collection method: clinical testing. Allele origin: germline.
Comment: In summary, the available evidence is currently insufficient to determine the role of this variant in disease. Therefore, it has been classified as a Variant of Uncertain Significance. Advanced modeling of protein sequence and biophysical properties (such as structural, functional, and spatial information, amino acid conservation, physicochemical variation, residue mobility, and thermodynamic stability) performed at Invitae indicates that this missense variant is not expected to disrupt GJB4 protein function. This variant has not been reported in the literature in individuals affected with GJB4-related conditions. This variant is present in population databases (rs774534707, gnomAD 0.02%). This sequence change replaces glycine, which is neutral and non-polar, with aspartic acid, which is acidic and polar, at codon 218 of the GJB4 protein (p.Gly218Asp).

NM_153212.3(GJB4):c.653G>A (p.Gly218Asp)

Gene: GJB4 (gap junction protein beta 4; plus strand). Cytogenetic location: 1p34.3.
Variant type: single nucleotide variant.
Coding change: c.653G>A on transcript NM_153212.3 (MANE Select); coding-DNA position 653, G replaced by A.
Protein change: p.Gly218Asp; replaces glycine 218 with aspartic acid.
Molecular consequence: missense variant.
Genome position (GRCh38, 1-based): chr1:34,761,907, G>A. VCF-style: chr1-34761907-G-A. GRCh37 (hg19) VCF-style: chr1-35227508-G-A.
Other names: short protein forms G218D.
Identifiers: ClinVar variation 3021145 (VCV003021145.3), dbSNP rs774534707, ClinGen allele CA754650.